The following is an entry in ClinVar:

ClinVar aggregate classification (germline): Uncertain significance (1 of 4 stars; one submission).

Conditions:
Familial adenomatous polyposis 1 (FAP1). Also called: FAMILIAL ADENOMATOUS POLYPOSIS 1, ATTENUATED; POLYPOSIS, ADENOMATOUS INTESTINAL. Identifiers: MedGen C2713442, MONDO:0021056, OMIM 175100. Disease mechanism: loss of function.

Submission:

Labcorp Genetics (formerly Invitae), Labcorp
Classification: Uncertain significance for Familial adenomatous polyposis 1. Last evaluated: 2020-05-25. Review status: criteria provided, single submitter. Criteria: Invitae Variant Classification Sherloc (09022015). Collection method: clinical testing. Allele origin: germline.
Comment: In summary, the available evidence is currently insufficient to determine the role of this variant in disease. Therefore, it has been classified as a Variant of Uncertain Significance. Algorithms developed to predict the effect of missense changes on protein structure and function are either unavailable or do not agree on the potential impact of this missense change (SIFT: "Tolerated"; PolyPhen-2: "Probably Damaging"; Align-GVGD: "Class C0"). This variant has not been reported in the literature in individuals with APC-related conditions. This variant is not present in population databases (ExAC no frequency). This sequence change replaces threonine with alanine at codon 2451 of the APC protein (p.Thr2451Ala). The threonine residue is highly conserved and there is a small physicochemical difference between threonine and alanine.

NM_000038.6(APC):c.7351A>G (p.Thr2451Ala)

Gene: APC (APC regulator of Wnt signaling pathway; plus strand). Cytogenetic location: 5q22.2.
Variant type: single nucleotide variant.
Coding change: c.7351A>G on transcript NM_000038.6 (MANE Select); coding-DNA position 7351, A replaced by G.
Protein change: p.Thr2451Ala; replaces threonine 2451 with alanine.
Molecular consequence: missense variant.
Genome position (GRCh38, 1-based): chr5:112,842,945, A>G. VCF-style: chr5-112842945-A-G. GRCh37 (hg19) VCF-style: chr5-112178642-A-G.
Other names: c.7351A>G, p.Thr2451Ala (NM_001127510.3, NM_001354895.2); c.7297A>G, p.Thr2433Ala (NM_001127511.3); c.7405A>G, p.Thr2469Ala (NM_001354896.2); c.7381A>G, p.Thr2461Ala (NM_001354897.2); c.7276A>G, p.Thr2426Ala (NM_001354898.2); c.7267A>G, p.Thr2423Ala (NM_001354899.2); c.7228A>G, p.Thr2410Ala (NM_001354900.2); c.7174A>G, p.Thr2392Ala (NM_001354901.2); and 5 more; short protein forms T2168A, T2291A, T2325A, T2350A, T2360A, T2392A, T2410A, T2423A.
Identifiers: ClinVar variation 999653 (VCV000999653.8), dbSNP rs1766454718, ClinGen allele CA16037340.